The following is an entry in ClinVar:

NM_000371.4(TTR):c.11A>T (p.His4Leu)

Gene: TTR (transthyretin; plus strand). Cytogenetic location: 18q12.1.
Variant type: single nucleotide variant.
Coding change: c.11A>T on transcript NM_000371.4 (MANE Select); coding-DNA position 11, A replaced by T.
Protein change: p.His4Leu; replaces histidine 4 with leucine.
Molecular consequence: missense variant.
Genome position (GRCh38, 1-based): chr18:31,591,913, A>T. VCF-style: chr18-31591913-A-T. GRCh37 (hg19) VCF-style: chr18-29171876-A-T.
Other names: short protein forms H4L.
Identifiers: ClinVar variation 803480 (VCV000803480.10), dbSNP rs1157253322, ClinGen allele CA402156262.
Genomic context (GRCh38, chr18:31,591,913, plus strand): 5'-AGCCCCAGGCTGGGAGCAGCCATCACAGAAGTCCACTCATTCTTGGCAGGATGGCTTCTC[A>T]TCGTCTGCTCCTCCTCTGCCTTGCTGGACTGGTATTTGTGTCTGAGGCTGGCCCTACGGT-3'
Protein context (NP_000362.1, residues 1-14): MAS[His4Leu]RLLLLCLAGL

ClinVar aggregate classification (germline): Uncertain significance. Review status: criteria provided, multiple submitters, no conflicts (2 of 4 stars). 4 submissions from 4 submitters: Uncertain significance (4). Last evaluated 2025-09-13.

Conditions:
Cardiovascular phenotype. Identifiers: MedGen CN230736.
Charcot-Marie-Tooth disease. Also called: Charcot-Marie-Tooth Hereditary Neuropathy; Charcot-Marie-Tooth Neuropathy. Identifiers: Orphanet 166, MedGen C0007959, MONDO:0015626.
Amyloidosis, hereditary systemic 1 (AMYLD1). Also called: Familial amyloid polyneuropathy; Transthyretin Amyloidosis; Hereditary Transthyretin Amyloidosis; Isolated Cardiac Amyloidosis; Amyloid Cardiomyopathy, Transthyretin-related; AMYLOID CARDIOMYOPATHY. Identifiers: Orphanet 85447, Orphanet 85451, MedGen C2751492, MONDO:0971004, OMIM 105210.

Allele frequency attached by ClinVar (database versions not stated): gnomAD exomes below 0.00001 and 0.00001; TOPMed 0.00002.

Submissions (4):

Labcorp Genetics (formerly Invitae), Labcorp
Classification: Uncertain significance for Amyloidosis, hereditary systemic 1. Last evaluated: 2025-09-13. Review status: criteria provided, single submitter. Criteria: Invitae Variant Classification Sherloc (09022015). Collection method: clinical testing. Allele origin: germline.
Comment: This sequence change replaces histidine, which is basic and polar, with leucine, which is neutral and non-polar, at codon 4 of the TTR protein (p.His4Leu). This variant is present in population databases (no rsID available, gnomAD 0.0009%). This variant has not been reported in the literature in individuals affected with TTR-related conditions. ClinVar contains an entry for this variant (Variation ID: 803480). An algorithm developed to predict the effect of missense changes on protein structure and function outputs the following: PolyPhen-2: "Benign". The leucine amino acid residue is found in multiple mammalian species, which suggests that this missense change does not adversely affect protein function. In summary, the available evidence is currently insufficient to determine the role of this variant in disease. Therefore, it has been classified as a Variant of Uncertain Significance.

Ambry Genetics
Classification: Uncertain significance for Cardiovascular phenotype. Last evaluated: 2025-04-22. Review status: criteria provided, single submitter. Criteria: Ambry Variant Classification Scheme 2023. Collection method: clinical testing. Allele origin: germline.
Comment: The p.H4L variant (also known as c.11A>T), located in coding exon 1 of the TTR gene, results from an A to T substitution at nucleotide position 11. The histidine at codon 4 is replaced by leucine, an amino acid with similar properties. This variant was listed as a variant of unknown significance identified in a population database (Lahuerta Pueyo C et al. Eur. J. Hum. Genet., 2019 May;27:783-791). This amino acid position is not well conserved in available vertebrate species, and leucine is the reference amino acid in other vertebrate species. In addition, this alteration is predicted to be tolerated by in silico analysis. Since supporting evidence is limited at this time, the clinical significance of this alteration remains unclear.

Mendelics
Classification: Uncertain significance for Amyloidosis, hereditary systemic 1. Last evaluated: 2019-05-28. Review status: criteria provided, single submitter. Criteria: Mendelics Assertion Criteria 2017. Collection method: clinical testing. Allele origin: unknown.

Molecular Genetics Laboratory, London Health Sciences Centre
Classification: Uncertain significance for Charcot-Marie-Tooth disease. Review status: criteria provided, single submitter. Criteria: ACMG Guidelines, 2015. Collection method: clinical testing. Allele origin: germline. Affected: yes.

Literature cited by the submitters: PubMed 30683924 (cited by Ambry Genetics).